The following is an entry in ClinVar:

ClinVar aggregate classification (germline): Benign/Likely benign. Review status: criteria provided, multiple submitters, no conflicts (2 of 4 stars). 6 submissions from 6 submitters: Benign (1); Likely benign (4). 1 of the submissions does not count toward it. Last evaluated 2025-12-13.

Conditions:
RYR1-related disorder. Also called: RYR1-related condition; RYR1-related disorders. Identifiers: MedGen CN239331.
Malignant hyperthermia, susceptibility to, 1 (MHS1). Also called: Malignant hyperthermia suceptibility 1; Anesthesia related hyperthermia; Malignant hyperpyrexia; Fulminating hyperpyrexia; Pharmacogenic myopathy; RYR1-Related Malignant Hyperthermia Susceptibility. Identifiers: Orphanet 423, MedGen C2930980, MONDO:0007783, OMIM 145600.

Allele frequency attached by ClinVar (database versions not stated): ExAC 0.00013; gnomAD exomes 0.00017; 1000 Genomes Project 0.00020; gnomAD 0.00027 and 0.00030; TOPMed 0.00028; 1000 Genomes Project 30x 0.00031; ESP Exome Variant Server 0.00038.
gnomAD v4.1: 259 of 1,613,860 alleles (0.016%); highest among the groups gnomAD compares: African/African-American, 0.048%; 1 homozygote.

Submissions (6):

Labcorp Genetics (formerly Invitae), Labcorp
Classification: Likely benign for RYR1-related disorder. Last evaluated: 2025-12-13. Review status: criteria provided, single submitter. Criteria: Invitae Variant Classification Sherloc (09022015). Collection method: clinical testing. Allele origin: germline.

CeGaT Center for Human Genetics Tuebingen
Classification: Likely benign. Last evaluated: 2025-11-01. Review status: criteria provided, single submitter. Criteria: CeGaT Center For Human Genetics Tuebingen Variant Classification Criteria Version 2. Collection method: clinical testing. Allele origin: germline. Affected: yes. Observed: 2 variant alleles.
Comment: RYR1: BP4, BP7

Blueprint Genetics
Classification: Benign. Last evaluated: 2024-10-15. Review status: criteria provided, single submitter. Criteria: ACMG Guidelines, 2015. Collection method: clinical testing. Allele origin: germline.

Color Diagnostics, LLC DBA Color Health
Classification: Likely benign for Malignant hyperthermia, susceptibility to, 1. Last evaluated: 2022-11-06. Review status: criteria provided, single submitter. Criteria: ACMG Guidelines, 2015. Collection method: clinical testing. Allele origin: germline.

GeneDx
Classification: Likely benign. Last evaluated: 2018-05-17. Review status: criteria provided, single submitter. Criteria: GeneDx Variant Classification Process June 2021. Collection method: clinical testing. Allele origin: germline. Affected: yes.

PreventionGenetics, part of Exact Sciences
Classification: Likely benign for RYR1-related condition. Last evaluated: 2019-04-15. Review status: no assertion criteria provided. Collection method: clinical testing. Allele origin: germline. Not counted in ClinVar's aggregate classification.
Comment: This variant is classified as likely benign based on ACMG/AMP sequence variant interpretation guidelines (Richards et al. 2015 PMID: 25741868, with internal and published modifications).

NM_000540.3(RYR1):c.14091C>T (p.Asp4697=)

Gene: RYR1 (ryanodine receptor 1; plus strand). Cytogenetic location: 19q13.2.
Variant type: single nucleotide variant.
Coding change: c.14091C>T on transcript NM_000540.3 (MANE Select); coding-DNA position 14091, C replaced by T.
Protein change: p.Asp4697=; no amino-acid change (aspartic acid 4697 retained).
Molecular consequence: synonymous variant.
Genome position (GRCh38, 1-based): chr19:38,573,269, C>T. VCF-style: chr19-38573269-C-T. GRCh37 (hg19) VCF-style: chr19-39063909-C-T.
Other names: c.14076C>T, p.Asp4692= (NM_001042723.2).
Identifiers: ClinVar variation 384003 (VCV000384003.39), dbSNP rs138616455, ClinGen allele CA060804.